The following is an entry in ClinVar:

NM_000051.4(ATM):c.5918+2T>C

Genes: ATM (ATM serine/threonine kinase; plus strand), C11orf65 (chromosome 11 open reading frame 65; minus strand). Cytogenetic location: 11q22.3.
Variant type: single nucleotide variant.
Coding change: c.5918+2T>C on transcript NM_000051.4 (MANE Select); the canonical splice donor site of the intron after coding-DNA position 5918, T replaced by C.
Molecular consequence: splice donor variant. On other transcripts: intron variant (2).
Genome position (GRCh38, 1-based): chr11:108,310,317, T>C. VCF-style: chr11-108310317-T-C. GRCh37 (hg19) VCF-style: chr11-108181044-T-C.
Other names: c.5918+2T>C (NM_001351834.2); c.641-1246A>G (NM_001330368.2); c.*39-1246A>G (NM_001351110.2).
Identifiers: ClinVar variation 3148800 (VCV003148800.2), dbSNP rs2547030807, ClinGen allele CA382548618.
Genomic context (GRCh38, chr11:108,310,317, plus strand): 5'-GCTTTACTCTATGCAGAAATCTATGCAGATAAGAAAAGTATGGATGATCAAGAGAAAAGG[T>C]AATGGAATTTAGAATTTTTGGTTTTTAAAATTAATGTTGGCATTGTCTCAATAAGGGTAT-3'

ClinVar aggregate classification (germline): Likely pathogenic. Review status: criteria provided, multiple submitters, no conflicts (2 of 4 stars). 2 submissions from 2 submitters: Likely pathogenic (2). Last evaluated 2025-06-16.

Conditions:
Familial cancer of breast. Also called: hereditary breast carcinoma; BREAST CANCER, FAMILIAL; Hereditary breast cancer. Identifiers: Orphanet 227535, MedGen C0346153, MONDO:0016419, OMIM 114480. Disease mechanism: loss of function.
Hereditary cancer-predisposing syndrome. Also called: Tumor predisposition; Hereditary Cancer Syndrome; Hereditary neoplastic syndrome; Neoplastic Syndromes, Hereditary. Identifiers: Orphanet 140162, MedGen C0027672, MeSH D009386, MONDO:0015356.

Submissions (2):

Ambry Genetics
Classification: Likely pathogenic for Hereditary cancer-predisposing syndrome. Last evaluated: 2025-06-16. Review status: criteria provided, single submitter. Criteria: Ambry Variant Classification Scheme 2023. Collection method: clinical testing. Allele origin: germline.
Comment: The c.5918+2T>C intronic variant results from a T to C substitution two nucleotides after coding exon 38 in the ATM gene. Alterations that disrupt the canonical splice site are expected to result in aberrant splicing. In silico splice site analysis predicts that this alteration will weaken the native splice donor site. A resulting transcript is predicted to be in-frame and is not expected to trigger nonsense-mediated mRNAdecay; although, direct evidence is unavailable. However, the region predicted to be impacted is critical for protein function (Ambry internal data). This variant is considered to be rare based on population cohorts in the Genome Aggregation Database (gnomAD). This nucleotide position is well conserved in available vertebrate species. Based on the majority of available evidence to date, this variant is likely to be pathogenic.

Myriad Genetics, Inc.
Classification: Likely pathogenic for Familial cancer of breast. Last evaluated: 2024-01-26. Review status: criteria provided, single submitter. Criteria: Myriad Autosomal Dominant, Autosomal Recessive and X-Linked Classification Criteria (2023). Collection method: clinical testing. Allele origin: unknown.
Comment: This variant is considered likely pathogenic. This variant occurs within a consensus splice junction and is predicted to result in abnormal mRNA splicing of either an out-of-frame exon or an in-frame exon necessary for protein stability and/or normal function.